The following is an entry in ClinVar:

NM_001291415.2(KDM6A):c.1832G>A (p.Arg611His)

Gene: KDM6A (lysine demethylase 6A; plus strand). Cytogenetic location: Xp11.3.
Variant type: single nucleotide variant.
Coding change: c.1832G>A on transcript NM_001291415.2 (MANE Select); coding-DNA position 1832, G replaced by A.
Protein change: p.Arg611His; replaces arginine 611 with histidine.
Molecular consequence: missense variant. On other transcripts: non-coding transcript variant (1).
Genome position (GRCh38, 1-based): chrX:45,063,570, G>A. VCF-style: chrX-45063570-G-A. GRCh37 (hg19) VCF-style: chrX-44922815-G-A.
Other names: c.1697G>A, p.Arg566His (NM_001291416.2); c.1541G>A, p.Arg514His (NM_001291417.2); c.1439G>A, p.Arg480His (NM_001291418.2); c.788G>A, p.Arg263His (NM_001291421.2); c.1676G>A, p.Arg559His (NM_021140.4); short protein forms R263H, R480H, R559H, R566H, R514H, R611H.
Identifiers: ClinVar variation 767596 (VCV000767596.11), dbSNP rs765071454, ClinGen allele CA10392422.
Genomic context (GRCh38, chrX:45,063,570, plus strand): 5'-CTGGCCAGCAGCCACAGCTTGCTCTGACCAGAGTGCCTAGCGTCTCTCAGCCTGGAGTCC[G>A]TCCTGCCTGCCCTGGGCAGCCTTTGGCCAATGGACCCTTTTCTGCAGGCCATGTTCCCTG-3'
Protein context (NP_001278344.1, residues 601-621): RVPSVSQPGV[Arg611His]PACPGQPLAN

ClinVar aggregate classification (germline): Likely benign. Review status: criteria provided, multiple submitters, no conflicts (2 of 4 stars). 3 submissions from 3 submitters: Likely benign (2). 1 of the submissions does not count toward it. Last evaluated 2026-01-06.

Conditions:
KDM6A-related disorder. Also called: KDM6A-related condition.
Kabuki syndrome 2 (KABUK2). Also called: KDM6A-Related Kabuki Syndrome. Identifiers: Orphanet 2322, MedGen C3275495, MONDO:0010465, OMIM 300867.

Allele frequency attached by ClinVar (database versions not stated): TOPMed 0.00002; gnomAD 0.00003; gnomAD exomes 0.00003 and 0.00010; ExAC 0.00006.
gnomAD v4.1: 35 of 1,209,733 alleles (0.0029%); highest among the groups gnomAD compares: Admixed American, 0.039%; no homozygotes.

Submissions (3):

Labcorp Genetics (formerly Invitae), Labcorp
Classification: Likely benign for Kabuki syndrome 2. Last evaluated: 2026-01-06. Review status: criteria provided, single submitter. Criteria: Invitae Variant Classification Sherloc (09022015). Collection method: clinical testing. Allele origin: germline.

Laboratory of Genetics, Children's Clinical University Hospital Latvia
Classification: Likely benign. Last evaluated: 2025-02-16. Review status: criteria provided, single submitter. Criteria: ACMG Guidelines, 2015. Collection method: clinical testing. Allele origin: germline. Affected: yes.

PreventionGenetics, part of Exact Sciences
Classification: Likely benign for KDM6A-related condition. Last evaluated: 2022-08-02. Review status: no assertion criteria provided. Collection method: clinical testing. Allele origin: germline. Not counted in ClinVar's aggregate classification.
Comment: This variant is classified as likely benign based on ACMG/AMP sequence variant interpretation guidelines (Richards et al. 2015 PMID: 25741868, with internal and published modifications).